The following is an entry in ClinVar:

NM_000553.6(WRN):c.106C>T (p.Arg36Trp)

Gene: WRN (WRN RecQ like helicase; plus strand). Cytogenetic location: 8p12.
Variant type: single nucleotide variant.
Coding change: c.106C>T on transcript NM_000553.6 (MANE Select); coding-DNA position 106, C replaced by T.
Protein change: p.Arg36Trp; replaces arginine 36 with tryptophan.
Molecular consequence: missense variant.
Genome position (GRCh38, 1-based): chr8:31,059,162, C>T. VCF-style: chr8-31059162-C-T. GRCh37 (hg19) VCF-style: chr8-30916678-C-T.
Other names: short protein forms R36W.
Identifiers: ClinVar variation 238116 (VCV000238116.11), dbSNP rs141495269, ClinGen allele CA4703985.

ClinVar aggregate classification (germline): Uncertain significance. Review status: criteria provided, multiple submitters, no conflicts (2 of 4 stars). 2 submissions from 2 submitters: Uncertain significance (2). Last evaluated 2025-04-27.

Conditions:
Werner syndrome (WRN). Identifiers: Orphanet 902, MedGen C0043119, MONDO:0010196, OMIM 277700.

Allele frequency attached by ClinVar (database versions not stated): gnomAD exomes 0.00004; ExAC 0.00005; gnomAD 0.00005 and 0.00006; TOPMed 0.00006; ESP Exome Variant Server 0.00015.
gnomAD v4.1: 57 of 1,613,274 alleles (0.0035%); highest among the groups gnomAD compares: South Asian, 0.011%; no homozygotes.

Submissions (2):

Labcorp Genetics (formerly Invitae), Labcorp
Classification: Uncertain significance for Werner syndrome. Last evaluated: 2025-04-27. Review status: criteria provided, single submitter. Criteria: Invitae Variant Classification Sherloc (09022015). Collection method: clinical testing. Allele origin: germline.
Comment: This sequence change replaces arginine, which is basic and polar, with tryptophan, which is neutral and slightly polar, at codon 36 of the WRN protein (p.Arg36Trp). This variant is present in population databases (rs141495269, gnomAD 0.008%). This variant has not been reported in the literature in individuals affected with WRN-related conditions. ClinVar contains an entry for this variant (Variation ID: 238116). An algorithm developed to predict the effect of missense changes on protein structure and function (PolyPhen-2) suggests that this variant is likely to be disruptive. In summary, the available evidence is currently insufficient to determine the role of this variant in disease. Therefore, it has been classified as a Variant of Uncertain Significance.

Illumina Laboratory Services, Illumina
Classification: Uncertain significance for Werner syndrome. Last evaluated: 2018-01-13. Review status: criteria provided, single submitter. Criteria: ICSL Variant Classification Criteria 13 December 2019. Collection method: clinical testing. Allele origin: germline.